The following is an entry in ClinVar:

ClinVar aggregate classification (germline): Pathogenic/Likely pathogenic. Review status: criteria provided, multiple submitters, no conflicts (2 of 4 stars). 12 submissions from 11 submitters: Pathogenic (10); Likely pathogenic (2). Last evaluated 2025-12-09.

Conditions:
Thoracic aortic aneurysm or dissection.
Marfan Syndrome/Loeys-Dietz Syndrome/Familial Thoracic Aortic Aneurysms and Dissections. Identifiers: MedGen CN229799.
Familial thoracic aortic aneurysm and aortic dissection (TAAD). Also called: Thoracic aortic aneurysms and dissections. Identifiers: Orphanet 91387, MedGen C4707243, MONDO:0019625.
Marfan syndrome (MFS). Also called: Marfan syndrome type 1; Marfan's syndrome; Marfan syndrome, classic; MARFAN SYNDROME, TYPE I; FBN1-Related Marfan Syndrome. Identifiers: Orphanet 284963, Orphanet 558, MedGen C0024796, MONDO:0007947, OMIM 154700.
Stiff skin syndrome (SSKS). Identifiers: Orphanet 2833, MedGen C1861456, MONDO:0008492, OMIM 184900.
FBN1-related disorder. Also called: FBN1-related disorders.

Allele frequency attached by ClinVar (database versions not stated): TOPMed below 0.00001; gnomAD 0.00001.
gnomAD v4.1: 3 of 1,614,068 alleles (0.00019%); highest among the groups gnomAD compares: African/African-American, 0.0013%; no homozygotes.

Submissions 1 to 6 of 12:

Labcorp Genetics (formerly Invitae), Labcorp
Classification: Pathogenic for Marfan syndrome; Familial thoracic aortic aneurysm and aortic dissection. Last evaluated: 2025-12-09. Review status: criteria provided, single submitter. Criteria: Invitae Variant Classification Sherloc (09022015). Collection method: clinical testing. Allele origin: germline.
Comment: This sequence change replaces aspartic acid, which is acidic and polar, with asparagine, which is neutral and polar, at codon 1155 of the FBN1 protein (p.Asp1155Asn). This variant also falls at the last nucleotide of exon 28, which is part of the consensus splice site for this exon. This variant is present in population databases (rs794728204, gnomAD 0.007%). This missense change has been observed in individual(s) with Marfan syndrome and thoracic aortic aneurysm (PMID: 8941093, 14695540, 19002209, 19293843, 20564469, 20886638). In at least one individual the variant was observed to be de novo. ClinVar contains an entry for this variant (Variation ID: 200017). An algorithm developed to predict the effect of missense changes on protein structure and function (PolyPhen-2) suggests that this variant is likely to be disruptive. Variants that disrupt the consensus splice site are a relatively common cause of aberrant splicing (PMID: 17576681, 9536098). For these reasons, this variant has been classified as Pathogenic.

GeneDx
Classification: Pathogenic. Last evaluated: 2025-11-06. Review status: criteria provided, single submitter. Criteria: GeneDx Variant Classification Process June 2021. Collection method: clinical testing. Allele origin: germline. Affected: yes.
Comment: Reported in association with Marfan syndrome or Marfan-like features (PMID: 14695540, 8941093, 19293843); Not observed at significant frequency in large population cohorts (gnomAD); In silico analysis supports that this missense variant has a deleterious effect on protein structure/function; In vitro functional studies showed that cells with the p.(D1155N) variant had a decreased amount of fibrillin protein deposited into the matrix as compared to control cells (PMID: 8941093); This variant is associated with the following publications: (PMID: 20564469, 19293843, 17657824, 19002209, 20886638, 14695540, 32679894, 8941093, 20591885)

NHS Central & South Genomic Laboratory Hub
Classification: Pathogenic for Thoracic aortic aneurysm or dissection. Last evaluated: 2025-09-25. Review status: criteria provided, single submitter. Criteria: ACMG Guidelines, 2015. Collection method: clinical testing. Allele origin: germline. Affected: yes.

Ambry Genetics
Classification: Pathogenic for Familial thoracic aortic aneurysm and aortic dissection. Last evaluated: 2025-04-02. Review status: criteria provided, single submitter. Criteria: Ambry Variant Classification Scheme 2023. Collection method: clinical testing. Allele origin: germline.
Comment: The p.D1155N pathogenic mutation (also known as c.3463G>A), located in coding exon 27 of the FBN1 gene, results from a G to A substitution at nucleotide position 3463. The amino acid change results in aspartic acid to asparagine at codon 1155, an amino acid with highly similar properties. However, this change occurs in the last base pair of coding exon 27, which makes it likely to have some effect on normal mRNA splicing. This variant was reported in individual(s) with features consistent with Marfan syndrome and related features including ectopia lentis and aortic disease (Stheneur C et al. Eur J Hum Genet. 2009;17(9):1121-8; Biggin A et al. Hum Mutat. 2004;23(1); Comeglio P et al. Hum. Mutat. 2007;28(9):928; Aragon-Martin JA et al. Hum. Mutat. 2010;31(8):E1622-31). In one study utilizing in vitro analyses, this alteration did not significantly impact RNA splicing but demonstrated less fibrillin-1 deposition in the extracellular matrix compared with control cells (Milewicz DM et al. Circulation.1996;94(11):2708-11). This amino acid position is highly conserved in available vertebrate species. In silico splice site analysis predicts that this alteration may result in the creation or strengthening of a novel splice donor site. In addition, as a missense substitution this is predicted to be inconclusive by in silico analysis. Based on the supporting evidence, this alteration is interpreted as a disease-causing mutation.

Blueprint Genetics
Classification: Pathogenic for FBN1-related disorders. Last evaluated: 2024-06-20. Review status: criteria provided, single submitter. Criteria: ACMG Guidelines, 2015. Collection method: clinical testing. Allele origin: germline. Affected: yes. Observed: 5 variant alleles.

Victorian Clinical Genetics Services, Murdoch Childrens Research Institute
Classification: Pathogenic for Marfan syndrome. Last evaluated: 2023-12-21. Review status: criteria provided, single submitter. Criteria: ACMG Guidelines, 2015. Collection method: clinical testing. Allele origin: germline. Inheritance: Autosomal dominant inheritance. Affected: yes.
Comment: Based on the classification scheme VCGS_Germline_v1.3.4, this variant is classified as Pathogenic. Following criteria are met: 0103 - Dominant negative and loss of function are known mechanisms of disease in this gene and are associated with FBN1-related disease. Variants predicted to result in nonsense mediated decay cause loss of function effects, and are more commonly associated with severe Marfan syndrome (MIM#154700). Missense variants with both dominant negative and loss of function effects on protein function, are associated with Marfan syndrome and ectopia lentis (MIM#129600) (OMIM, PMID: 29357934). The exact genotype-phenotype correlation for this gene is still unclear, and is compounded by variable expressivity (PMID: 20301510). (I) 0107 - This gene is predominantly associated with autosomal dominant disease; autosomal recessive forms of Marfan syndrome have been rarely reported (PMID: 27274304; 31950671). (I) 0115 - Variants in this gene are known to have variable expressivity. The genotype-phenotype correlations for this gene are unclear, with single variants reported in patients with a range of phenotypes (PMID: 20301510, OMIM). (I) 0200 - Variant is predicted to result in a missense amino acid change from aspartic acid to asparagine. (I) 0251 - This variant is heterozygous. (I) 0302 - Variant is present in gnomAD (v3) <0.001 for a dominant condition (2 heterozygotes, 0 homozygotes). (SP) 0501 - Missense variant consistently predicted to be damaging by multiple in silico tools or highly conserved with a major amino acid change. (SP) 0600 - Variant is located in the annotated calcium-binding EGF domain (DECIPHER). (I) 0703 - Other missense variants comparable to the one identified in this case have moderate previous evidence for pathogenicity. Two alternative changes, p.(Asp1155Val) and p.(Asp1155Gly), have been submitted to ClinVar once each as likely pathogenic. (SP) 0801 - This variant has strong previous evidence of pathogenicity in unrelated individuals. This variant has been reported many times as pathogenic and likely pathogenic, and has been observed in individuals with Marfan syndrome, ectopia lentis, aortic disease and/or striae atrophica with inguinal or umbilical herniae (ClinVar, PMID: 14695540). (SP) 1208 - Inheritance information for this variant is not currently available in this individual. (I) Legend: (SP) - Supporting pathogenic, (I) - Information, (SB) - Supporting benign

NM_000138.5(FBN1):c.3463G>A (p.Asp1155Asn)

Gene: FBN1 (fibrillin 1; minus strand). Cytogenetic location: 15q21.1.
Variant type: single nucleotide variant.
Coding change: c.3463G>A on transcript NM_000138.5 (MANE Select); coding-DNA position 3463, G replaced by A.
Protein change: p.Asp1155Asn; replaces aspartic acid 1155 with asparagine.
Molecular consequence: missense variant.
Genome position (GRCh38, 1-based): chr15:48,487,312, C>T on the plus strand (G>A on the coding strand, the complement: FBN1 is on the minus strand). VCF-style: chr15-48487312-C-T. GRCh37 (hg19) VCF-style: chr15-48779509-C-T.
Other names: p.D1155N:GAC>AAC; short protein forms D1155N.
Identifiers: ClinVar variation 200017 (VCV000200017.65), dbSNP rs794728204, ClinGen allele CA014157.
Genomic context (GRCh38, chr15:48,487,312, plus strand): 5'-GCAATGATGTCATTCAAACAACTGACCACAAGTAAATGGTGTGAAAGTCTTTCTCCTTAC[C>T]GATACACGCGGAGATGTTGGGGGACAGCTGATGGCCAGGCGGGCATTCACAGCGGTAACT-3'
Protein context (NP_000129.3, residues 1145-1165): QLSPNISACI[Asp1155Asn]INECELSAHL